The following is an entry in ClinVar:

NM_032043.3(BRIP1):c.1858A>G (p.Met620Val)

Gene: BRIP1 (BRCA1 interacting DNA helicase 1; minus strand). Cytogenetic location: 17q23.2.
Variant type: single nucleotide variant.
Coding change: c.1858A>G on transcript NM_032043.3 (MANE Select); coding-DNA position 1858, A replaced by G.
Protein change: p.Met620Val; replaces methionine 620 with valine.
Molecular consequence: missense variant.
Genome position (GRCh38, 1-based): chr17:61,780,338, T>C on the plus strand (A>G on the coding strand, the complement: BRIP1 is on the minus strand). VCF-style: chr17-61780338-T-C. GRCh37 (hg19) VCF-style: chr17-59857699-T-C.
Other names: short protein forms M620V.
Identifiers: ClinVar variation 230041 (VCV000230041.15), dbSNP rs876658346, ClinGen allele CA10580824.

ClinVar aggregate classification (germline): Uncertain significance. Review status: criteria provided, multiple submitters, no conflicts (2 of 4 stars). 3 submissions from 3 submitters: Uncertain significance (3). Last evaluated 2025-07-02.

Conditions:
Hereditary cancer-predisposing syndrome. Also called: Hereditary Cancer Syndrome; Neoplastic Syndromes, Hereditary; Tumor predisposition; Hereditary neoplastic syndrome. Identifiers: Orphanet 140162, MedGen C0027672, MeSH D009386, MONDO:0015356.
Fanconi anemia complementation group J. Also called: BRIP1-Related Fanconi Anemia. Identifiers: Orphanet 84, MedGen C1836860, MONDO:0012187, OMIM 609054.
Familial cancer of breast. Also called: Hereditary breast cancer; hereditary breast carcinoma; BREAST CANCER, FAMILIAL. Identifiers: Orphanet 227535, MedGen C0346153, MONDO:0016419, OMIM 114480. Disease mechanism: loss of function.

Allele frequency attached by ClinVar (database versions not stated): gnomAD exomes below 0.00001.
gnomAD v4.1: 3 of 1,610,860 alleles (0.00019%); highest among the groups gnomAD compares: Non-Finnish European, 0.00025%; no homozygotes.

Submissions (3):

Labcorp Genetics (formerly Invitae), Labcorp
Classification: Uncertain significance for Familial cancer of breast; Fanconi anemia complementation group J. Last evaluated: 2025-07-02. Review status: criteria provided, single submitter. Criteria: Invitae Variant Classification Sherloc (09022015). Collection method: clinical testing. Allele origin: germline.
Comment: This sequence change replaces methionine, which is neutral and non-polar, with valine, which is neutral and non-polar, at codon 620 of the BRIP1 protein (p.Met620Val). This variant is not present in population databases (gnomAD no frequency). This variant has not been reported in the literature in individuals affected with BRIP1-related conditions. ClinVar contains an entry for this variant (Variation ID: 230041). Invitae Evidence Modeling of protein sequence and biophysical properties (such as structural, functional, and spatial information, amino acid conservation, physicochemical variation, residue mobility, and thermodynamic stability) has been performed for this missense variant. However, the output from this modeling did not meet the statistical confidence thresholds required to predict the impact of this variant on BRIP1 protein function. In summary, the available evidence is currently insufficient to determine the role of this variant in disease. Therefore, it has been classified as a Variant of Uncertain Significance.

Ambry Genetics
Classification: Uncertain significance for Hereditary cancer-predisposing syndrome. Last evaluated: 2025-03-07. Review status: criteria provided, single submitter. Criteria: Ambry Variant Classification Scheme 2023. Collection method: clinical testing. Allele origin: germline.
Comment: The p.M620V variant (also known as c.1858A>G), located in coding exon 12 of the BRIP1 gene, results from an A to G substitution at nucleotide position 1858. The methionine at codon 620 is replaced by valine, an amino acid with highly similar properties. This amino acid position is well conserved in available vertebrate species. In addition, this alteration is predicted to be tolerated by in silico analysis. Since supporting evidence is limited at this time, the clinical significance of this alteration remains unclear.

Color Diagnostics, LLC DBA Color Health
Classification: Uncertain significance for Hereditary cancer-predisposing syndrome. Last evaluated: 2024-08-26. Review status: criteria provided, single submitter. Criteria: ACMG Guidelines, 2015. Collection method: clinical testing. Allele origin: germline.
Comment: This missense variant replaces methionine with valine at codon 620 of the BRIP1 protein. Computational prediction suggests that this variant may not impact protein structure and function (internally defined REVEL score threshold <= 0.5, PMID: 27666373). To our knowledge, functional studies have not been reported for this variant. This variant has not been reported in individuals affected with BRIP1-related disorders in the literature. This variant has not been identified in the general population by the Genome Aggregation Database (gnomAD). The available evidence is insufficient to determine the role of this variant in disease conclusively. Therefore, this variant is classified as a Variant of Uncertain Significance.